The following is an entry in ClinVar:

NM_003334.4(UBA1):c.1672C>T (p.Arg558Cys)

Gene: UBA1 (ubiquitin like modifier activating enzyme 1; plus strand). Cytogenetic location: Xp11.3.
Variant type: single nucleotide variant.
Coding change: c.1672C>T on transcript NM_003334.4 (MANE Select); coding-DNA position 1672, C replaced by T.
Protein change: p.Arg558Cys; replaces arginine 558 with cysteine.
Molecular consequence: missense variant.
Genome position (GRCh38, 1-based): chrX:47,206,044, C>T. VCF-style: chrX-47206044-C-T. GRCh37 (hg19) VCF-style: chrX-47065443-C-T.
Other names: c.1672C>T, p.Arg558Cys (NM_153280.3); short protein forms R558C.
Identifiers: ClinVar variation 3781256 (VCV003781256.1).

ClinVar aggregate classification (germline): Uncertain significance (1 of 4 stars; one submission).

gnomAD v4.1: 2 of 1,204,880 alleles (0.00017%); highest among the groups gnomAD compares: South Asian, 0.0018%; no homozygotes.

Submission:

GeneDx
Classification: Uncertain significance. Last evaluated: 2024-10-15. Review status: criteria provided, single submitter. Criteria: GeneDx Variant Classification Process June 2021. Collection method: clinical testing. Allele origin: germline. Affected: yes.
Comment: Not observed at significant frequency in large population cohorts (gnomAD); Missense variants in this gene are a common cause of disease and they are underrepresented in the general population; In silico analysis supports that this missense variant has a deleterious effect on protein structure/function; Has not been previously published as pathogenic or benign to our knowledge; This variant is associated with the following publications: (PMID: 26432019)